The following is an entry in ClinVar:

NM_172107.4(KCNQ2):c.2611A>G (p.Arg871Gly)

Gene: KCNQ2 (potassium voltage-gated channel subfamily Q member 2; minus strand). Cytogenetic location: 20q13.33.
Variant type: single nucleotide variant.
Coding change: c.2611A>G on transcript NM_172107.4 (MANE Select); coding-DNA position 2611, A replaced by G.
Protein change: p.Arg871Gly; replaces arginine 871 with glycine.
Molecular consequence: missense variant.
Genome position (GRCh38, 1-based): chr20:63,406,652, T>C on the plus strand (A>G on the coding strand, the complement: KCNQ2 is on the minus strand). VCF-style: chr20-63406652-T-C. GRCh37 (hg19) VCF-style: chr20-62038005-T-C.
Other names: c.2665A>G, p.Arg889Gly (NM_001382235.1); c.2527A>G, p.Arg843Gly (NM_004518.6); c.2557A>G, p.Arg853Gly (NM_172106.3); c.2518A>G, p.Arg840Gly (NM_172108.5); short protein forms R889G, R840G, R853G, R871G, R843G.
Identifiers: ClinVar variation 1391453 (VCV001391453.13), dbSNP rs1006613253, ClinGen allele CA317421425.

ClinVar aggregate classification (germline): Uncertain significance. Review status: criteria provided, multiple submitters, no conflicts (2 of 4 stars). 5 submissions from 5 submitters: Uncertain significance (5). Last evaluated 2026-08-06.

Conditions:
Inborn genetic diseases. Identifiers: MedGen C0950123, MeSH D030342.
Developmental and epileptic encephalopathy, 7 (DEE7). Also called: Early infantile epileptic encephalopathy 7; KCNQ2-Related Neonatal Epileptic Encephalopathy; KCNQ2-Related Neonatal-Onset Developmental and Epileptic Encephalopathy (NEO-DEE). Identifiers: Orphanet 439218, MedGen C3150986, MONDO:0013387, OMIM 613720.
Early-infantile DEE. Also called: Early infantile epileptic encephalopathy with suppression bursts; Early infantile epileptic encephalopathy; Ohtahara syndrome. Identifiers: Orphanet 1934, MedGen C0393706, MONDO:0800491.

Allele frequency attached by ClinVar (database versions not stated): gnomAD exomes below 0.00001; TOPMed 0.00002; gnomAD 0.00001.

Submissions (5):

OLLIN Analises Genomicas, OLLIN
Classification: Uncertain significance for Developmental and epileptic encephalopathy, 7. Last evaluated: 2026-08-06. Review status: criteria provided, single submitter. Criteria: ACMG Guidelines 2015 PMID 25741868. Collection method: clinical testing. Allele origin: germline. Inheritance: Autosomal dominant inheritance.
Comment: This missense variant, located in exon 17 (of 17), has been reported in ClinVar (accession VCV001391453.11) and in gnomAD with an allele frequency of 0.000503%. However, to our knowledge, it has not been reported in the scientific literature. In silico analysis is inconclusive regarding the impact of this variant. This gene is constrained for missense variation. According to the currently available evidence, this variant has been classified as uncertain significance (PM2_P, PP2).

Labcorp Genetics (formerly Invitae), Labcorp
Classification: Uncertain significance for Early-infantile DEE. Last evaluated: 2026-01-24. Review status: criteria provided, single submitter. Criteria: Invitae Variant Classification Sherloc (09022015). Collection method: clinical testing. Allele origin: germline.
Comment: This sequence change replaces arginine, which is basic and polar, with glycine, which is neutral and non-polar, at codon 871 of the KCNQ2 protein (p.Arg871Gly). This variant is not present in population databases (gnomAD no frequency). This variant has not been reported in the literature in individuals affected with KCNQ2-related conditions. ClinVar contains an entry for this variant (Variation ID: 1391453). Invitae Evidence Modeling of protein sequence and biophysical properties (such as structural, functional, and spatial information, amino acid conservation, physicochemical variation, residue mobility, and thermodynamic stability) indicates that this missense variant is not expected to disrupt KCNQ2 protein function with a negative predictive value of 95%. In summary, the available evidence is currently insufficient to determine the role of this variant in disease. Therefore, it has been classified as a Variant of Uncertain Significance.

Blueprint Genetics
Classification: Uncertain significance. Last evaluated: 2023-12-29. Review status: criteria provided, single submitter. Criteria: ACMG Guidelines, 2015. Collection method: clinical testing. Allele origin: germline.

Revvity Omics, Revvity
Classification: Uncertain significance. Last evaluated: 2019-06-29. Review status: criteria provided, single submitter. Criteria: ACMG Guidelines, 2015. Collection method: clinical testing. Allele origin: germline.

Ambry Genetics
Classification: Uncertain significance for Inborn genetic diseases. Last evaluated: 2019-02-16. Review status: criteria provided, single submitter. Criteria: Ambry Variant Classification Scheme 2023. Collection method: clinical testing. Allele origin: germline.
Comment: The p.R871G variant (also known as c.2611A>G), located in coding exon 17 of the KCNQ2 gene, results from an A to G substitution at nucleotide position 2611. The arginine at codon 871 is replaced by glycine, an amino acid with dissimilar properties. This amino acid position is well conserved in available vertebrate species. In addition, the in silico prediction for this alteration is inconclusive. Since supporting evidence is limited at this time, the clinical significance of this alteration remains unclear.